The following is an entry in ClinVar:

NM_000384.3(APOB):c.8236A>G (p.Ile2746Val)

Gene: APOB (apolipoprotein B; minus strand). Cytogenetic location: 2p24.1.
Variant type: single nucleotide variant.
Coding change: c.8236A>G on transcript NM_000384.3 (MANE Select); coding-DNA position 8236, A replaced by G.
Protein change: p.Ile2746Val; replaces isoleucine 2746 with valine.
Molecular consequence: missense variant.
Genome position (GRCh38, 1-based): chr2:21,008,632, T>C on the plus strand (A>G on the coding strand, the complement: APOB is on the minus strand). VCF-style: chr2-21008632-T-C. GRCh37 (hg19) VCF-style: chr2-21231504-T-C.
Other names: short protein forms I2746V.
Identifiers: ClinVar variation 4862508 (VCV004862508.1).
Genomic context (GRCh38, chr2:21,008,632, plus strand): 5'-ATTGGATTTTCAGAATACTGTATAGCTTGCCAAAAGTAGGTACTTCAATTGTGTGTGAGA[T>C]GTGGGGAAGCTGGAATTCTGGTATGTGAAGGTCAGGAACTTGAAAATCATTAAGGTTGAG-3'
Protein context (NP_000375.3, residues 2736-2756): LHIPEFQLPH[Ile2746Val]SHTIEVPTFG

ClinVar aggregate classification (germline): Uncertain significance (1 of 4 stars; one submission).

Conditions:
Cardiovascular phenotype. Identifiers: MedGen CN230736.

Submission:

Ambry Genetics
Classification: Uncertain significance for Cardiovascular phenotype. Last evaluated: 2026-03-30. Review status: criteria provided, single submitter. Criteria: Ambry Variant Classification Scheme 2023. Collection method: clinical testing. Allele origin: germline.
Comment: The p.I2746V variant (also known as c.8236A>G), located in coding exon 26 of the APOB gene, results from an A to G substitution at nucleotide position 8236. The isoleucine at codon 2746 is replaced by valine, an amino acid with highly similar properties. This amino acid position is conserved. In addition, this alteration is predicted to be tolerated by in silico analysis. Based on the available evidence, the clinical significance of this variant remains unclear.